The following is an entry in ClinVar:

NM_194248.3(OTOF):c.1960C>T (p.Arg654Trp)

Gene: OTOF (otoferlin; minus strand). Cytogenetic location: 2p23.3.
Variant type: single nucleotide variant.
Coding change: c.1960C>T on transcript NM_194248.3 (MANE Select); coding-DNA position 1960, C replaced by T.
Protein change: p.Arg654Trp; replaces arginine 654 with tryptophan.
Molecular consequence: missense variant.
Genome position (GRCh38, 1-based): chr2:26,479,606, G>A on the plus strand (C>T on the coding strand, the complement: OTOF is on the minus strand). VCF-style: chr2-26479606-G-A. GRCh37 (hg19) VCF-style: chr2-26702474-G-A.
Other names: c.1960C>T, p.Arg654Trp (NM_001287489.2); short protein forms R654W.
Identifiers: ClinVar variation 1064974 (VCV001064974.12), dbSNP rs144259658, ClinGen allele CA1564105.

ClinVar aggregate classification (germline): Conflicting classifications of pathogenicity. Review status: criteria provided, conflicting classifications (1 of 4 stars). 5 submissions from 5 submitters: Uncertain significance (4); Likely benign (1). Last evaluated 2026-01-28.

Conditions:
Autosomal recessive nonsyndromic hearing loss 9. Also called: Deafness, autosomal recessive 9; OTOF-Related Hearing Loss; NEUROSENSORY NONSYNDROMIC RECESSIVE DEAFNESS 9; AUDITORY NEUROPATHY, AUTOSOMAL RECESSIVE, 1, TEMPERATURE-SENSITIVE. Identifiers: Orphanet 90636, MedGen C1832828, MONDO:0010986, OMIM 601071.
Hearing impairment. Also called: Impaired Hearing. Identifiers: MedGen C1384666, MONDO:0005365, HP:0000365.

Allele frequency attached by ClinVar (database versions not stated): TOPMed 0.00021; gnomAD exomes 0.00010; ESP Exome Variant Server 0.00015; 1000 Genomes Project 0.00020; gnomAD 0.00024 and 0.00026; ExAC 0.00013; 1000 Genomes Project 30x 0.00016.
gnomAD v4.1: 189 of 1,612,612 alleles (0.012%); highest among the groups gnomAD compares: African/African-American, 0.021%; no homozygotes.

Submissions (5):

Labcorp Genetics (formerly Invitae), Labcorp
Classification: Likely benign. Last evaluated: 2026-01-28. Review status: criteria provided, single submitter. Criteria: Invitae Variant Classification Sherloc (09022015). Collection method: clinical testing. Allele origin: germline.

GeneDx
Classification: Uncertain significance. Last evaluated: 2025-02-06. Review status: criteria provided, single submitter. Criteria: GeneDx Variant Classification Process June 2021. Collection method: clinical testing. Allele origin: germline. Affected: yes.
Comment: In silico analysis supports that this missense variant has a deleterious effect on protein structure/function; Has not been previously published as pathogenic or benign to our knowledge

Blueprint Genetics
Classification: Uncertain significance. Last evaluated: 2024-09-02. Review status: criteria provided, single submitter. Criteria: ACMG Guidelines, 2015. Collection method: clinical testing. Allele origin: germline.

Department of Pathology and Laboratory Medicine, Sinai Health System
Classification: Uncertain significance for Autosomal recessive nonsyndromic hearing loss 9. Last evaluated: 2022-05-27. Review status: criteria provided, single submitter. Criteria: ACMG Guidelines, 2015. Collection method: research. Allele origin: germline.

Department of Otolaryngology – Head & Neck Surgery, Cochlear Implant Center
Classification: Uncertain significance for Hearing impairment. Last evaluated: 2021-04-12. Review status: criteria provided, single submitter. Criteria: ClinGen HL ACMG Specifications v1. Collection method: clinical testing. Allele origin: germline. Affected: yes.
Comment: PM2_Supporting, BP4_Supporting